The following is an entry in ClinVar:

ClinVar aggregate classification (germline): Uncertain significance (1 of 4 stars; one submission).

gnomAD v4.1: 1 of 1,609,662 alleles (0.000062%); no homozygotes.

Submission:

Labcorp Genetics (formerly Invitae), Labcorp
Classification: Uncertain significance. Last evaluated: 2022-09-26. Review status: criteria provided, single submitter. Criteria: Invitae Variant Classification Sherloc (09022015). Collection method: clinical testing. Allele origin: germline.
Comment: This sequence change replaces glutamic acid, which is acidic and polar, with aspartic acid, which is acidic and polar, at codon 267 of the KIF23 protein (p.Glu267Asp). This variant is not present in population databases (gnomAD no frequency). This variant has not been reported in the literature in individuals affected with KIF23-related conditions. Advanced modeling of protein sequence and biophysical properties (such as structural, functional, and spatial information, amino acid conservation, physicochemical variation, residue mobility, and thermodynamic stability) performed at Invitae indicates that this missense variant is expected to disrupt KIF23 protein function. In summary, the available evidence is currently insufficient to determine the role of this variant in disease. Therefore, it has been classified as a Variant of Uncertain Significance.

NM_001367805.3(KIF23):c.843A>C (p.Glu281Asp)

Gene: KIF23 (kinesin family member 23; plus strand). Cytogenetic location: 15q23.
Variant type: single nucleotide variant.
Coding change: c.843A>C on transcript NM_001367805.3 (MANE Select); coding-DNA position 843, A replaced by C.
Protein change: p.Glu281Asp; replaces glutamic acid 281 with aspartic acid.
Molecular consequence: missense variant. On other transcripts: non-coding transcript variant (2).
Genome position (GRCh38, 1-based): chr15:69,426,136, A>C. VCF-style: chr15-69426136-A-C. GRCh37 (hg19) VCF-style: chr15-69718475-A-C.
Other names: c.471A>C, p.Glu157Asp (NM_001281301.2); c.801A>C, p.Glu267Asp (NM_001367804.2, NM_004856.7, NM_138555.4); short protein forms E157D, E281D, E267D.
Identifiers: ClinVar variation 1976188 (VCV001976188.5), dbSNP rs2057184847, ClinGen allele CA393004507.